The following is an entry in ClinVar:

ClinVar aggregate classification (germline): Uncertain significance (1 of 4 stars; one submission).

Conditions:
Alzheimer disease. Also called: Presenile and senile dementia; Alzheimer's disease. Identifiers: Orphanet 1020, MedGen C0002395, MeSH D000544, MONDO:0004975, HP:0002511.

gnomAD v4.1: 36 of 1,613,664 alleles (0.0022%); highest among the groups gnomAD compares: South Asian, 0.021%; no homozygotes.

Submission:

Labcorp Genetics (formerly Invitae), Labcorp
Classification: Uncertain significance for Alzheimer disease. Last evaluated: 2025-12-20. Review status: criteria provided, single submitter. Criteria: Invitae Variant Classification Sherloc (09022015). Collection method: clinical testing. Allele origin: germline.
Comment: This sequence change replaces arginine, which is basic and polar, with histidine, which is basic and polar, at codon 643 of the APP protein (p.Arg643His). This variant is present in population databases (rs151010236, gnomAD 0.02%). This variant has not been reported in the literature in individuals affected with APP-related conditions. Invitae Evidence Modeling of protein sequence and biophysical properties (such as structural, functional, and spatial information, amino acid conservation, physicochemical variation, residue mobility, and thermodynamic stability) has been performed for this missense variant. However, the output from this modeling did not meet the statistical confidence thresholds required to predict the impact of this variant on APP protein function. In summary, the available evidence is currently insufficient to determine the role of this variant in disease. Therefore, it has been classified as a Variant of Uncertain Significance.

NM_000484.4(APP):c.1928G>A (p.Arg643His)

Gene: APP (amyloid beta precursor protein; minus strand). Cytogenetic location: 21q21.3.
Variant type: single nucleotide variant.
Coding change: c.1928G>A on transcript NM_000484.4 (MANE Select); coding-DNA position 1928, G replaced by A.
Protein change: p.Arg643His; replaces arginine 643 with histidine.
Molecular consequence: missense variant. On other transcripts: intron variant (3).
Genome position (GRCh38, 1-based): chr21:25,905,059, C>T on the plus strand (G>A on the coding strand, the complement: APP is on the minus strand). VCF-style: chr21-25905059-C-T. GRCh37 (hg19) VCF-style: chr21-27277371-C-T.
Other names: c.1703G>A, p.Arg568His (NM_201414.3); c.1684+6682G>A (NM_001204303.2); c.1852+6682G>A (NM_001204302.2); c.1909+6682G>A (NM_001204301.2); c.1856G>A, p.Arg619His (NM_001136016.3); c.1535G>A, p.Arg512His (NM_001136129.3); c.1760G>A, p.Arg587His (NM_001136130.3, NM_001385253.1); c.1598G>A, p.Arg533His (NM_001136131.3); and 1 more; short protein forms R533H, R587H, R643H, R512H, R568H, R619H, R624H.
Identifiers: ClinVar variation 4707516 (VCV004707516.1).